The following is an entry in ClinVar:

ClinVar aggregate classification (germline): Pathogenic. Review status: criteria provided, multiple submitters, no conflicts (2 of 4 stars). 2 submissions from 2 submitters: Pathogenic (2). Last evaluated 2026-09-01.

Conditions:
Mucopolysaccharidosis, MPS-II (MPS2). Also called: Mucopolysaccharidosis with skin involvement; Attenuated MPS (subtype; formerly known as mild MPS II); Severe MPS II; I2S deficiency; MPS 2; Hunter Syndrome. Identifiers: Orphanet 580, Orphanet 79388, MedGen C0026705, MONDO:0010674, OMIM 309900.

Submissions (2):

CeGaT Center for Human Genetics Tuebingen
Classification: Pathogenic. Last evaluated: 2026-09-01. Review status: criteria provided, single submitter. Criteria: CeGaT Center For Human Genetics Tuebingen Variant Classification Criteria Version 2. Collection method: clinical testing. Allele origin: germline. Affected: yes. Observed: 1 variant allele.
Comment: IDS: PVS1, PM2, PS4:Moderate, PS1:Supporting

Laboratory of Diagnosis and Therapy of Lysosomal Disorders, University of Padova
Classification: Pathogenic for Mucopolysaccharidosis, MPS-II. Last evaluated: 2024-06-07. Review status: criteria provided, single submitter. Criteria: ACMG Guidelines, 2015. Collection method: literature only. Allele origin: germline. Affected: yes. Observed: 4 variant alleles.
Comment: Null variant (PVS1_VeryStrong), Absent from controls (or at low frequency) in gnomAD database (PM2_Moderate), Patient’s phenotype or family history highly specific for the disease (PP4_Strong)

Classification method: ACMG Guidelines [PMID:25741868] with modifications

Literature cited by the submitters: PubMed 33960103 (cited by Laboratory of Diagnosis and Therapy of Lysosomal Disorders, University of Padova); PubMed 16480701 (cited by Laboratory of Diagnosis and Therapy of Lysosomal Disorders, University of Padova); PubMed 33676511 (cited by Laboratory of Diagnosis and Therapy of Lysosomal Disorders, University of Padova).

NM_000202.8(IDS):c.240+1G>C

Gene: IDS (iduronate 2-sulfatase; minus strand). Cytogenetic location: Xq28.
Variant type: single nucleotide variant.
Coding change: c.240+1G>C on transcript NM_000202.8 (MANE Select); the canonical splice donor site of the intron after coding-DNA position 240, G replaced by C.
Molecular consequence: splice donor variant.
Genome position (GRCh38, 1-based): chrX:149,504,156, C>G on the plus strand (G>C on the coding strand, the complement: IDS is on the minus strand). VCF-style: chrX-149504156-C-G. GRCh37 (hg19) VCF-style: chrX-148585686-C-G.
Other names: c.14+1G>C (NM_001166550.4); c.240+1G>C (NM_006123.5).
Identifiers: ClinVar variation 3256107 (VCV003256107.3).